The following is an entry in ClinVar:

NM_000256.3(MYBPC3):c.3097C>A (p.Arg1033=)

Gene: MYBPC3 (myosin binding protein C3; minus strand). Cytogenetic location: 11p11.2.
Variant type: single nucleotide variant.
Coding change: c.3097C>A on transcript NM_000256.3 (MANE Select); coding-DNA position 3097, C replaced by A.
Protein change: p.Arg1033=; no amino-acid change (arginine 1033 retained).
Molecular consequence: synonymous variant.
Genome position (GRCh38, 1-based): chr11:47,333,650, G>T on the plus strand (C>A on the coding strand, the complement: MYBPC3 is on the minus strand). VCF-style: chr11-47333650-G-T. GRCh37 (hg19) VCF-style: chr11-47355201-G-T.
Other names: c.3097C>A, p.Arg1033= (LRG_386t1).
Identifiers: ClinVar variation 511908 (VCV000511908.2), dbSNP rs748909815, ClinGen allele CA474429229.
Genomic context (GRCh38, chr11:47,333,650, plus strand): 5'-CCATGTTCTCAATGCGCACCGTCACCTGGTAAGTGCCTGAATGCACGCGGCGAGCGGCCC[G>T]GATGAACAGGATGGTGTCTGTGGGGCTGTTGCGGATGCTCACCTCCTCGCCTGCCAGGGG-3'
Protein context (NP_000247.2, residues 1023-1043): NSPTDTILFI[Arg1033=]AARRVHSGTY

ClinVar aggregate classification (germline): Conflicting classifications of pathogenicity. Review status: criteria provided, conflicting classifications (1 of 4 stars). 2 submissions from 2 submitters: Uncertain significance (1); Likely benign (1). Last evaluated 2025-12-15.

Conditions:
Cardiovascular phenotype. Identifiers: MedGen CN230736.

Allele frequency attached by ClinVar (database versions not stated): TOPMed 0.00002.

Submissions (2):

Ambry Genetics
Classification: Uncertain significance for Cardiovascular phenotype. Last evaluated: 2025-12-15. Review status: criteria provided, single submitter. Criteria: Ambry Variant Classification Scheme 2023. Collection method: clinical testing. Allele origin: germline.
Comment: The c.3097C>A variant (also known as p.R1033R), located in coding exon 29 of the MYBPC3 gene, results from a C to A substitution at nucleotide position 3097. This nucleotide substitution does not change the amino acid at codon 1033. This nucleotide position is well conserved in available vertebrate species. In silico splice site analysis predicts that this alteration may result in the creation or strengthening of a novel splice acceptor site. Based on the available evidence, the clinical significance of this variant remains unclear.

GeneDx
Classification: Likely benign. Last evaluated: 2017-09-01. Review status: criteria provided, single submitter. Criteria: GeneDx Variant Classification (06012015). Collection method: clinical testing. Allele origin: germline. Affected: yes.
Comment: This variant is considered likely benign or benign based on one or more of the following criteria: it is a conservative change, it occurs at a poorly conserved position in the protein, it is predicted to be benign by multiple in silico algorithms, and/or has population frequency not consistent with disease.